The following is an entry in ClinVar:

NM_001267550.2(TTN):c.39379G>T (p.Val13127Leu)

Gene: TTN (titin; minus strand). Cytogenetic location: 2q31.2.
Variant type: single nucleotide variant.
Coding change: c.39379G>T on transcript NM_001267550.2 (MANE Select); coding-DNA position 39379, G replaced by T.
Protein change: p.Val13127Leu; replaces valine 13127 with leucine.
Molecular consequence: missense variant. On other transcripts: intron variant (3).
Genome position (GRCh38, 1-based): chr2:178,651,884, C>A on the plus strand (G>T on the coding strand, the complement: TTN is on the minus strand). VCF-style: chr2-178651884-C-A. GRCh37 (hg19) VCF-style: chr2-179516611-C-A.
Other names: NC_000002.11:g.179516611C>A; c.34858G>T, p.Val11620Leu (NM_001256850.1); c.32077G>T, p.Val10693Leu (NM_133378.4); c.13283-9567G>T (NM_003319.4); c.13859-9567G>T (NM_133437.4); c.13658-9567G>T (NM_133432.3); c.39379G>T (NM_001267550.1); short protein forms V11620L, V13127L, V10693L.
Identifiers: ClinVar variation 392648 (VCV000392648.5), dbSNP rs1057524578, ClinGen allele CA16604026.

ClinVar aggregate classification (germline): Uncertain significance. Review status: criteria provided, multiple submitters, no conflicts (2 of 4 stars). 2 submissions from 2 submitters: Uncertain significance (2). Last evaluated 2024-12-17.

Allele frequency attached by ClinVar (database versions not stated): gnomAD exomes 0.00001 and 0.00002.
gnomAD v4.1: 23 of 1,606,612 alleles (0.0014%); highest among the groups gnomAD compares: Non-Finnish European, 0.002%; no homozygotes.

Submissions (3):

GeneDx
Classification: Uncertain significance. Last evaluated: 2024-12-17. Review status: criteria provided, single submitter. Criteria: GeneDx Variant Classification Process June 2021. Collection method: clinical testing. Allele origin: germline. Affected: yes.
Comment: Has not been previously published as pathogenic or benign to our knowledge; In silico analysis supports that this missense variant has a deleterious effect on protein structure/function; Not observed at significant frequency in large population cohorts (gnomAD)

Blueprint Genetics
Classification: Uncertain significance. Last evaluated: 2023-12-12. Review status: criteria provided, single submitter. Criteria: ACMG Guidelines, 2015. Collection method: clinical testing. Allele origin: germline.

Dr. Peter K. Rogan Lab, Western University
No classification provided (evidence only). Condition: Familial pancreatic carcinoma. Review status: no classification provided. Collection method: in vitro. Allele origin: not applicable. Functional consequence: retained intron. Not counted in ClinVar's aggregate classification.